The following is an entry in ClinVar:

ClinVar aggregate classification (germline): Uncertain significance (1 of 4 stars; one submission).

Allele frequency attached by ClinVar (database versions not stated): gnomAD exomes 0.00001; TOPMed 0.00002; ExAC 0.00003; gnomAD 0.00003; ESP Exome Variant Server 0.00008.

Submission:

Labcorp Genetics (formerly Invitae), Labcorp
Classification: Uncertain significance. Last evaluated: 2023-10-07. Review status: criteria provided, single submitter. Criteria: Invitae Variant Classification Sherloc (09022015). Collection method: clinical testing. Allele origin: germline.
Comment: This sequence change replaces arginine, which is basic and polar, with glutamine, which is neutral and polar, at codon 231 of the TNFRSF6B protein (p.Arg231Gln). This variant is present in population databases (rs147543198, gnomAD 0.02%). This variant has not been reported in the literature in individuals affected with TNFRSF6B-related conditions. Algorithms developed to predict the effect of missense changes on protein structure and function output the following: SIFT: "Not Available"; PolyPhen-2: "Benign"; Align-GVGD: "Not Available". The glutamine amino acid residue is found in multiple mammalian species, which suggests that this missense change does not adversely affect protein function. In summary, the available evidence is currently insufficient to determine the role of this variant in disease. Therefore, it has been classified as a Variant of Uncertain Significance.

NM_003823.4(TNFRSF6B):c.692G>A (p.Arg231Gln)

Genes: RTEL1-TNFRSF6B (RTEL1-TNFRSF6B readthrough (NMD candidate); plus strand), TNFRSF6B (TNF receptor superfamily member 6b; plus strand). Cytogenetic location: 20q13.33.
Variant type: single nucleotide variant.
Coding change: c.692G>A on transcript NM_003823.4 (MANE Select); coding-DNA position 692, G replaced by A.
Protein change: p.Arg231Gln; replaces arginine 231 with glutamine.
Molecular consequence: missense variant. On other transcripts: non-coding transcript variant (1).
Genome position (GRCh38, 1-based): chr20:63,698,352, G>A. VCF-style: chr20-63698352-G-A. GRCh37 (hg19) VCF-style: chr20-62329705-G-A.
Other names: short protein forms R231Q.
Identifiers: ClinVar variation 3013250 (VCV003013250.3), dbSNP rs147543198, ClinGen allele CA9966562.
Genomic context (GRCh38, chr20:63,698,352, plus strand): 5'-GTGAGCGTGCCGTCATCGACTTTGTGGCTTTCCAGGACATCTCCATCAAGAGGCTGCAGC[G>A]GCTGCTGCAGGCCCTCGAGGCCCCGGAGGGCTGGGGTCCGACACCAAGGGCGGGCCGCGC-3'
Protein context (NP_003814.1, residues 221-241): FQDISIKRLQ[Arg231Gln]LLQALEAPEG